The following is an entry in ClinVar:

NM_001128840.3(CACNA1D):c.2766T>G (p.Phe922Leu)

Gene: CACNA1D (calcium voltage-gated channel subunit alpha1 D; plus strand). Cytogenetic location: 3p21.1.
Variant type: single nucleotide variant.
Coding change: c.2766T>G on transcript NM_001128840.3 (MANE Select); coding-DNA position 2766, T replaced by G.
Protein change: p.Phe922Leu; replaces phenylalanine 922 with leucine.
Molecular consequence: missense variant.
Genome position (GRCh38, 1-based): chr3:53,740,294, T>G. VCF-style: chr3-53740294-T-G. GRCh37 (hg19) VCF-style: chr3-53774321-T-G.
Other names: c.2826T>G, p.Phe942Leu (NM_000720.4); c.2766T>G, p.Phe922Leu (NM_001128839.3); short protein forms F922L, F942L.
Identifiers: ClinVar variation 3680542 (VCV003680542.2).

ClinVar aggregate classification (germline): Uncertain significance (1 of 4 stars; one submission).

gnomAD v4.1: 6 of 1,612,544 alleles (0.00037%); highest among the groups gnomAD compares: African/African-American, 0.008%; no homozygotes.

Submission:

Labcorp Genetics (formerly Invitae), Labcorp
Classification: Uncertain significance. Last evaluated: 2024-10-02. Review status: criteria provided, single submitter. Criteria: Invitae Variant Classification Sherloc (09022015). Collection method: clinical testing. Allele origin: germline.
Comment: This sequence change replaces phenylalanine, which is neutral and non-polar, with leucine, which is neutral and non-polar, at codon 942 of the CACNA1D protein (p.Phe942Leu). This variant is present in population databases (no rsID available, gnomAD 0.01%). This variant has not been reported in the literature in individuals affected with CACNA1D-related conditions. Invitae Evidence Modeling of protein sequence and biophysical properties (such as structural, functional, and spatial information, amino acid conservation, physicochemical variation, residue mobility, and thermodynamic stability) indicates that this missense variant is not expected to disrupt CACNA1D protein function with a negative predictive value of 80%. In summary, the available evidence is currently insufficient to determine the role of this variant in disease. Therefore, it has been classified as a Variant of Uncertain Significance.